The following is an entry in ClinVar:

NM_201384.3(PLEC):c.8705G>A (p.Arg2902Gln)

Gene: PLEC (plectin; minus strand). Cytogenetic location: 8q24.3.
Variant type: single nucleotide variant.
Coding change: c.8705G>A on transcript NM_201384.3 (MANE Select); coding-DNA position 8705, G replaced by A.
Protein change: p.Arg2902Gln; replaces arginine 2902 with glutamine.
Molecular consequence: missense variant.
Genome position (GRCh38, 1-based): chr8:143,921,116, C>T on the plus strand (G>A on the coding strand, the complement: PLEC is on the minus strand). VCF-style: chr8-143921116-C-T. GRCh37 (hg19) VCF-style: chr8-144995284-C-T.
Other names: c.8705G>A, p.Arg2902Gln (NM_201382.4); c.8717G>A, p.Arg2906Gln (NM_201383.3); c.8786G>A, p.Arg2929Gln (NM_000445.5); c.5405G>A, p.Arg1802Gln (NM_001410941.1); c.8663G>A, p.Arg2888Gln (NM_201378.4); c.8639G>A, p.Arg2880Gln (NM_201379.3); c.9116G>A, p.Arg3039Gln (NM_201380.4); c.8609G>A, p.Arg2870Gln (NM_201381.3); short protein forms R1802Q, R2870Q, R2880Q, R2888Q, R2902Q, R2906Q, R2929Q, R3039Q.
Identifiers: ClinVar variation 2434951 (VCV002434951.6), dbSNP rs782819280, ClinGen allele CA4925210.

ClinVar aggregate classification (germline): Uncertain significance. Review status: criteria provided, multiple submitters, no conflicts (2 of 4 stars). 2 submissions from 2 submitters: Uncertain significance (2). Last evaluated 2024-09-18.

Conditions:
Epidermolysis bullosa simplex 5B, with muscular dystrophy (EBS5B). Also called: EPIDERMOLYSIS BULLOSA SIMPLEX AND LIMB-GIRDLE MUSCULAR DYSTROPHY; Epidermolysis bullosa simplex with muscular dystrophy. Identifiers: Orphanet 257, MedGen C2931072, MONDO:0009181, OMIM 226670.
Epidermolysis bullosa simplex with nail dystrophy (EBS5D). Identifiers: MedGen C4225309, MONDO:0014661, OMIM 616487.
Epidermolysis bullosa simplex 5C, with pyloric atresia (EBS5C). Also called: PLEC-Related Epidermolysis Bullosa with Pyloric Atresia; Epidermolysis bullosa simplex with pyloric atresia; PLEC1-Related Epidermolysis Bullosa with Pyloric Atresia. Identifiers: Orphanet 158684, MedGen C2677349, MONDO:0012807, OMIM 612138.
Autosomal recessive limb-girdle muscular dystrophy type 2Q (LGMDR17). Also called: MUSCULAR DYSTROPHY, LIMB-GIRDLE, AUTOSOMAL RECESSIVE 17. Identifiers: Orphanet 254361, MedGen C3150989, MONDO:0013390, OMIM 613723.
Epidermolysis bullosa simplex, Ogna type (EBS5A). Also called: EPIDERMOLYSIS BULLOSA SIMPLEX 5A, OGNA TYPE; Pidermolysis bullosa simplex 5A, Ogna type. Identifiers: Orphanet 79401, MedGen C0432317, MONDO:0007555, OMIM 131950.

Allele frequency attached by ClinVar (database versions not stated): gnomAD exomes 0.00001; ExAC 0.00003; gnomAD 0.00005; TOPMed 0.00005.
gnomAD v4.1: 29 of 1,612,410 alleles (0.0018%); highest among the groups gnomAD compares: Admixed American, 0.0067%; no homozygotes.

Submissions (2):

Revvity Omics, Revvity
Classification: Uncertain significance. Last evaluated: 2024-09-18. Review status: criteria provided, single submitter. Criteria: ACMG Guidelines, 2015. Collection method: clinical testing. Allele origin: germline.

Labcorp Genetics (formerly Invitae), Labcorp
Classification: Uncertain significance for Autosomal recessive limb-girdle muscular dystrophy type 2Q; Epidermolysis bullosa simplex, Ogna type; Epidermolysis bullosa simplex with nail dystrophy; Epidermolysis bullosa simplex 5C, with pyloric atresia; Epidermolysis bullosa simplex 5B, with muscular dystrophy. Last evaluated: 2023-07-16. Review status: criteria provided, single submitter. Criteria: Invitae Variant Classification Sherloc (09022015). Collection method: clinical testing. Allele origin: germline.
Comment: In summary, the available evidence is currently insufficient to determine the role of this variant in disease. Therefore, it has been classified as a Variant of Uncertain Significance. An algorithm developed to predict the effect of missense changes on protein structure and function (PolyPhen-2) suggests that this variant is likely to be disruptive. ClinVar contains an entry for this variant (Variation ID: 2434951). This variant has not been reported in the literature in individuals affected with PLEC-related conditions. This variant is present in population databases (rs782819280, gnomAD 0.01%). This sequence change replaces arginine, which is basic and polar, with glutamine, which is neutral and polar, at codon 2929 of the PLEC protein (p.Arg2929Gln).